The following is an entry in ClinVar:

ClinVar aggregate classification (germline): Uncertain significance (1 of 4 stars; one submission).

Conditions:
Inborn genetic diseases. Identifiers: MedGen C0950123, MeSH D030342.

Submission:

Ambry Genetics
Classification: Uncertain significance for Inborn genetic diseases. Last evaluated: 2019-11-01. Review status: criteria provided, single submitter. Criteria: Ambry Variant Classification Scheme 2023. Collection method: clinical testing. Allele origin: germline.
Comment: The p.D598E variant (also known as c.1794T>A), located in coding exon 11 of the GRIA3 gene, results from a T to A substitution at nucleotide position 1794. The aspartic acid at codon 598 is replaced by glutamic acid, an amino acid with highly similar properties. This amino acid position is highly conserved in available vertebrate species. In addition, this alteration is predicted to be tolerated by in silico analysis. Since supporting evidence is limited at this time, the clinical significance of this alteration remains unclear.

NM_007325.5(GRIA3):c.1794T>A (p.Asp598Glu)

Gene: GRIA3 (glutamate ionotropic receptor AMPA type subunit 3; plus strand). Cytogenetic location: Xq25.
Variant type: single nucleotide variant.
Coding change: c.1794T>A on transcript NM_007325.5 (MANE Select); coding-DNA position 1794, T replaced by A.
Protein change: p.Asp598Glu; replaces aspartic acid 598 with glutamic acid.
Molecular consequence: missense variant.
Genome position (GRCh38, 1-based): chrX:123,417,695, T>A. VCF-style: chrX-123417695-T-A. GRCh37 (hg19) VCF-style: chrX-122551546-T-A.
Other names: c.1794T>A, p.Asp598Glu (NM_000828.5); short protein forms D598E.
Identifiers: ClinVar variation 1780243 (VCV001780243.2), dbSNP rs2521209666, ClinGen allele CA414257772.